The following is an entry in ClinVar:

ClinVar aggregate classification (germline): Uncertain significance (1 of 4 stars; one submission).

Submission:

Labcorp Genetics (formerly Invitae), Labcorp
Classification: Uncertain significance. Last evaluated: 2025-03-14. Review status: criteria provided, single submitter. Criteria: Invitae Variant Classification Sherloc (09022015). Collection method: clinical testing. Allele origin: germline.
Comment: This sequence change replaces glutamic acid, which is acidic and polar, with glutamine, which is neutral and polar, at codon 814 of the JAK2 protein (p.Glu814Gln). This variant is not present in population databases (gnomAD no frequency). This variant has not been reported in the literature in individuals affected with JAK2-related conditions. Invitae Evidence Modeling of protein sequence and biophysical properties (such as structural, functional, and spatial information, amino acid conservation, physicochemical variation, residue mobility, and thermodynamic stability) indicates that this missense variant is not expected to disrupt JAK2 protein function with a negative predictive value of 80%. In summary, the available evidence is currently insufficient to determine the role of this variant in disease. Therefore, it has been classified as a Variant of Uncertain Significance.

NM_004972.4(JAK2):c.2440G>C (p.Glu814Gln)

Genes: INSL6 (insulin like 6; minus strand), JAK2 (Janus kinase 2; plus strand). Cytogenetic location: 9p24.1.
Variant type: single nucleotide variant.
Coding change: c.2440G>C on transcript NM_004972.4 (MANE Select); coding-DNA position 2440, G replaced by C.
Protein change: p.Glu814Gln; replaces glutamic acid 814 with glutamine.
Molecular consequence: missense variant. On other transcripts: non-coding transcript variant (2).
Genome position (GRCh38, 1-based): chr9:5,081,730, G>C. VCF-style: chr9-5081730-G-C. GRCh37 (hg19) VCF-style: chr9-5081730-G-C.
Other names: c.2440G>C, p.Glu814Gln (NM_001322194.2, NM_001322195.2, NM_001322196.2); c.1225G>C, p.Glu409Gln (NM_001322198.2, NM_001322199.2); c.1993G>C, p.Glu665Gln (NM_001322204.2); short protein forms E814Q, E409Q, E665Q.
Identifiers: ClinVar variation 4745043 (VCV004745043.1).